The following is an entry in ClinVar:

ClinVar aggregate classification (germline): Likely benign. Review status: criteria provided, multiple submitters, no conflicts (2 of 4 stars). 2 submissions from 2 submitters: Likely benign (2). Last evaluated 2025-02-19.

Conditions:
Neuronal ceroid lipofuscinosis. Also called: Neuronal Ceroid Lipofuscinoses. Identifiers: Orphanet 216, Orphanet 79263, MedGen C0027877, MONDO:0016295. Disease mechanism: loss of function.

Submissions (2):

Labcorp Genetics (formerly Invitae), Labcorp
Classification: Likely benign for Neuronal ceroid lipofuscinosis. Last evaluated: 2025-02-19. Review status: criteria provided, single submitter. Criteria: Invitae Variant Classification Sherloc (09022015). Collection method: clinical testing. Allele origin: germline.

GeneDx
Classification: Likely benign. Last evaluated: 2017-12-27. Review status: criteria provided, single submitter. Criteria: GeneDx Variant Classification (06012015). Collection method: clinical testing. Allele origin: germline. Affected: yes.
Comment: This variant is considered likely benign or benign based on one or more of the following criteria: it is a conservative change, it occurs at a poorly conserved position in the protein, it is predicted to be benign by multiple in silico algorithms, and/or has population frequency not consistent with disease.

NM_017882.3(CLN6):c.486+8C>A

Gene: CLN6 (CLN6 transmembrane ER protein; minus strand). Cytogenetic location: 15q23.
Variant type: single nucleotide variant.
Coding change: c.486+8C>A on transcript NM_017882.3 (MANE Select); 8 bases into the intron after coding-DNA position 486, C replaced by A.
Molecular consequence: intron variant.
Genome position (GRCh38, 1-based): chr15:68,211,667, G>T on the plus strand (C>A on the coding strand, the complement: CLN6 is on the minus strand). VCF-style: chr15-68211667-G-T. GRCh37 (hg19) VCF-style: chr15-68504005-G-T.
Identifiers: ClinVar variation 516352 (VCV000516352.10), dbSNP rs149692285, ClinGen allele CA392973286.